The following is an entry in ClinVar:

NM_000129.4(F13A1):c.826C>T (p.Leu276Phe)

Gene: F13A1 (coagulation factor XIII A chain; minus strand). Cytogenetic location: 6p25.1.
Variant type: single nucleotide variant.
Coding change: c.826C>T on transcript NM_000129.4 (MANE Select); coding-DNA position 826, C replaced by T.
Protein change: p.Leu276Phe; replaces leucine 276 with phenylalanine.
Molecular consequence: missense variant.
Genome position (GRCh38, 1-based): chr6:6,224,833, G>A on the plus strand (C>T on the coding strand, the complement: F13A1 is on the minus strand). VCF-style: chr6-6224833-G-A. GRCh37 (hg19) VCF-style: chr6-6225066-G-A.
Other names: p.Leu276Phe; short protein forms L276F.
Identifiers: ClinVar variation 1705953 (VCV001705953.4), dbSNP rs2480618469, ClinGen allele CA362740165.

ClinVar aggregate classification (germline): Likely pathogenic (1 of 4 stars; one submission).

Submission:

Mayo Clinic Laboratories, Mayo Clinic
Classification: Likely pathogenic. Last evaluated: 2021-05-16. Review status: criteria provided, single submitter. Criteria: ACMG Guidelines, 2015. Collection method: clinical testing. Allele origin: germline.
Comment: PM2, PM1, PS4_Moderate, PM3

Literature cited by the submitters: PubMed 28520207.